The following is an entry in ClinVar:

NM_015404.4(WHRN):c.1267C>T (p.Arg423Ter)

Gene: WHRN (whirlin; minus strand). Cytogenetic location: 9q32.
Variant type: single nucleotide variant.
Coding change: c.1267C>T on transcript NM_015404.4 (MANE Select); coding-DNA position 1267, C replaced by T.
Protein change: p.Arg423Ter; replaces arginine 423 with a stop codon.
Molecular consequence: nonsense.
Genome position (GRCh38, 1-based): chr9:114,424,483, G>A on the plus strand (C>T on the coding strand, the complement: WHRN is on the minus strand). VCF-style: chr9-114424483-G-A. GRCh37 (hg19) VCF-style: chr9-117186763-G-A.
Other names: c.118C>T, p.Arg40Ter (NM_001083885.3); c.1267C>T, p.Arg423Ter (NM_001173425.2); c.214C>T, p.Arg72Ter (NM_001346890.1); short protein forms R423*, R40*, R72*.
Identifiers: ClinVar variation 45645 (VCV000045645.5), dbSNP rs397517255, ClinGen allele CA277978.

ClinVar aggregate classification (germline): Pathogenic (1 of 4 stars; one submission).

Conditions:
Rare genetic deafness. Identifiers: Orphanet 96210, MedGen C5680250.

Allele frequency attached by ClinVar (database versions not stated): gnomAD 0.00001.
gnomAD v4.1: 12 of 1,613,932 alleles (0.00074%); highest among the groups gnomAD compares: East Asian, 0.018%; no homozygotes.

Submission:

Laboratory for Molecular Medicine, Mass General Brigham Personalized Medicine
Classification: Pathogenic for Rare genetic deafness. Last evaluated: 2010-08-04. Review status: criteria provided, single submitter. Criteria: LMM Criteria. Collection method: clinical testing. Allele origin: germline. Observed: 1 variant allele.
Comment: The Arg423X variant in DFNB31 has not been reported in the literature nor previo usly identified by our laboratory. The Arg423X variant leads to a premature stop codon at position 423, which is predicted to lead to a truncated or absent prot ein. As such, this variant meets our criteria for pathogenicity.